The following is an entry in ClinVar:

ClinVar aggregate classification (germline): Likely benign (1 of 4 stars; one submission).

Allele frequency attached by ClinVar (database versions not stated): ESP Exome Variant Server 0.00046; 1000 Genomes Project 30x 0.00047; gnomAD exomes 0.00059; 1000 Genomes Project 0.00060; gnomAD 0.00060; TOPMed 0.00066; ExAC 0.00092.
gnomAD v4.1: 993 of 1,613,720 alleles (0.062%); highest among the groups gnomAD compares: Middle Eastern, 0.28%; 7 homozygotes.

Submission:

CeGaT Center for Human Genetics Tuebingen
Classification: Likely benign. Last evaluated: 2023-02-01. Review status: criteria provided, single submitter. Criteria: CeGaT Center For Human Genetics Tuebingen Variant Classification Criteria Version 2. Collection method: clinical testing. Allele origin: germline. Affected: yes. Observed: 1 variant allele.
Comment: KCNH6: BP4, BP7

NM_001278919.2(KCNH6):c.705G>A (p.Pro235=)

Gene: KCNH6 (potassium voltage-gated channel subfamily H member 6; plus strand). Cytogenetic location: 17q23.3.
Variant type: single nucleotide variant.
Coding change: c.705G>A on transcript NM_001278919.2 (MANE Select); coding-DNA position 705, G replaced by A.
Protein change: p.Pro235=; no amino-acid change (proline 235 retained).
Molecular consequence: synonymous variant.
Genome position (GRCh38, 1-based): chr17:63,533,915, G>A. VCF-style: chr17-63533915-G-A. GRCh37 (hg19) VCF-style: chr17-61611276-G-A.
Other names: c.336G>A, p.Pro112= (NM_001278920.2); c.705G>A, p.Pro235= (NM_030779.4, NM_173092.4).
Identifiers: ClinVar variation 2648079 (VCV002648079.24), dbSNP rs143700601, ClinGen allele CA8701010.